The following is an entry in ClinVar:

NM_004744.5(LRAT):c.626C>T (p.Thr209Met)

Gene: LRAT (lecithin retinol acyltransferase; plus strand). Cytogenetic location: 4q32.1.
Variant type: single nucleotide variant.
Coding change: c.626C>T on transcript NM_004744.5 (MANE Select); coding-DNA position 626, C replaced by T.
Protein change: p.Thr209Met; replaces threonine 209 with methionine.
Molecular consequence: missense variant.
Genome position (GRCh38, 1-based): chr4:154,749,069, C>T. VCF-style: chr4-154749069-C-T. GRCh37 (hg19) VCF-style: chr4-155670221-C-T.
Other names: c.626C>T, p.Thr209Met (NM_001301645.2); short protein forms T209M.
Identifiers: ClinVar variation 1044096 (VCV001044096.4), dbSNP rs762455309, ClinGen allele CA3115919.
Genomic context (GRCh38, chr4:154,749,069, plus strand): 5'-TTCGTGATCAGAGAAGTGTTCTTGCTTCAGCAGTCTTGGGATTGGCGTCTATAGTCTGTA[C>T]GGGCTTGGTATCATACACTACCCTTCCTGCAATTTTTATTCCATTCTTCCTATGGATGGC-3'
Protein context (NP_004735.2, residues 199-219): AVLGLASIVC[Thr209Met]GLVSYTTLPA

ClinVar aggregate classification (germline): Uncertain significance (1 of 4 stars; one submission).

Allele frequency attached by ClinVar (database versions not stated): gnomAD 0.00002; ExAC 0.00001; TOPMed 0.00003; gnomAD exomes 0.00002.
gnomAD v4.1: 28 of 1,613,604 alleles (0.0017%); highest among the groups gnomAD compares: East Asian, 0.0067%; no homozygotes.

Submission:

Labcorp Genetics (formerly Invitae), Labcorp
Classification: Uncertain significance. Last evaluated: 2022-09-27. Review status: criteria provided, single submitter. Criteria: Invitae Variant Classification Sherloc (09022015). Collection method: clinical testing. Allele origin: germline.
Comment: This sequence change replaces threonine, which is neutral and polar, with methionine, which is neutral and non-polar, at codon 209 of the LRAT protein (p.Thr209Met). This variant is present in population databases (rs762455309, gnomAD 0.006%). This variant has not been reported in the literature in individuals affected with LRAT-related conditions. ClinVar contains an entry for this variant (Variation ID: 1044096). Algorithms developed to predict the effect of missense changes on protein structure and function output the following: SIFT: "Tolerated"; PolyPhen-2: "Benign"; Align-GVGD: "Class C0". The methionine amino acid residue is found in multiple mammalian species, which suggests that this missense change does not adversely affect protein function. In summary, the available evidence is currently insufficient to determine the role of this variant in disease. Therefore, it has been classified as a Variant of Uncertain Significance.